The following is an entry in ClinVar:

ClinVar aggregate classification (germline): Likely benign. Review status: criteria provided, multiple submitters, no conflicts (2 of 4 stars). 3 submissions from 3 submitters: Likely benign (3). Last evaluated 2026-09-01.

Conditions:
Epidermolysis bullosa simplex, Ogna type (EBS5A). Also called: Pidermolysis bullosa simplex 5A, Ogna type; EPIDERMOLYSIS BULLOSA SIMPLEX 5A, OGNA TYPE. Identifiers: Orphanet 79401, MedGen C0432317, MONDO:0007555, OMIM 131950.
Epidermolysis bullosa simplex 5C, with pyloric atresia (EBS5C). Also called: PLEC1-Related Epidermolysis Bullosa with Pyloric Atresia; PLEC-Related Epidermolysis Bullosa with Pyloric Atresia; Epidermolysis bullosa simplex with pyloric atresia. Identifiers: Orphanet 158684, MedGen C2677349, MONDO:0012807, OMIM 612138.
Epidermolysis bullosa simplex 5B, with muscular dystrophy (EBS5B). Also called: Epidermolysis bullosa simplex with muscular dystrophy; EPIDERMOLYSIS BULLOSA SIMPLEX AND LIMB-GIRDLE MUSCULAR DYSTROPHY. Identifiers: Orphanet 257, MedGen C2931072, MONDO:0009181, OMIM 226670.
Epidermolysis bullosa simplex with nail dystrophy (EBS5D). Identifiers: MedGen C4225309, MONDO:0014661, OMIM 616487.
Autosomal recessive limb-girdle muscular dystrophy type 2Q (LGMDR17). Also called: MUSCULAR DYSTROPHY, LIMB-GIRDLE, AUTOSOMAL RECESSIVE 17. Identifiers: Orphanet 254361, MedGen C3150989, MONDO:0013390, OMIM 613723.

Allele frequency attached by ClinVar (database versions not stated): gnomAD 0.00001 and 0.00002; TOPMed 0.00002; ExAC 0.00003; gnomAD exomes 0.00004; 1000 Genomes Project 0.00020; 1000 Genomes Project 30x 0.00031.
gnomAD v4.1: 59 of 1,613,110 alleles (0.0037%); highest among the groups gnomAD compares: Admixed American, 0.012%; no homozygotes.

Submissions (3):

CeGaT Center for Human Genetics Tuebingen
Classification: Likely benign. Last evaluated: 2026-09-01. Review status: criteria provided, single submitter. Criteria: CeGaT Center For Human Genetics Tuebingen Variant Classification Criteria Version 2. Collection method: clinical testing. Allele origin: germline. Affected: yes. Observed: 1 variant allele.
Comment: PLEC: BP4, BP7

Labcorp Genetics (formerly Invitae), Labcorp
Classification: Likely benign for Autosomal recessive limb-girdle muscular dystrophy type 2Q; Epidermolysis bullosa simplex, Ogna type; Epidermolysis bullosa simplex with nail dystrophy; Epidermolysis bullosa simplex 5C, with pyloric atresia; Epidermolysis bullosa simplex 5B, with muscular dystrophy. Last evaluated: 2025-12-24. Review status: criteria provided, single submitter. Criteria: Invitae Variant Classification Sherloc (09022015). Collection method: clinical testing. Allele origin: germline.

GeneDx
Classification: Likely benign. Last evaluated: 2017-05-10. Review status: criteria provided, single submitter. Criteria: GeneDx Variant Classification (06012015). Collection method: clinical testing. Allele origin: germline. Affected: yes.
Comment: This variant is considered likely benign or benign based on one or more of the following criteria: it is a conservative change, it occurs at a poorly conserved position in the protein, it is predicted to be benign by multiple in silico algorithms, and/or has population frequency not consistent with disease.

NM_201384.3(PLEC):c.9960C>T (p.Ser3320=)

Gene: PLEC (plectin; minus strand). Cytogenetic location: 8q24.3.
Variant type: single nucleotide variant.
Coding change: c.9960C>T on transcript NM_201384.3 (MANE Select); coding-DNA position 9960, C replaced by T.
Protein change: p.Ser3320=; no amino-acid change (serine 3320 retained).
Molecular consequence: synonymous variant.
Genome position (GRCh38, 1-based): chr8:143,919,861, G>A on the plus strand (C>T on the coding strand, the complement: PLEC is on the minus strand). VCF-style: chr8-143919861-G-A. GRCh37 (hg19) VCF-style: chr8-144994029-G-A.
Other names: c.10041C>T, p.Ser3347= (NM_000445.5); c.9918C>T, p.Ser3306= (NM_201378.4); c.9894C>T, p.Ser3298= (NM_201379.3); c.10371C>T, p.Ser3457= (NM_201380.4); c.9864C>T, p.Ser3288= (NM_201381.3); c.9960C>T, p.Ser3320= (NM_201382.4); c.9972C>T, p.Ser3324= (NM_201383.3).
Identifiers: ClinVar variation 70797 (VCV000070797.13), dbSNP rs146406979, ClinGen allele CA4924804.